The following is an entry in ClinVar:

ClinVar aggregate classification (germline): Uncertain significance (1 of 4 stars; one submission).

Conditions:
Hereditary cancer-predisposing syndrome. Also called: Hereditary Cancer Syndrome; Hereditary neoplastic syndrome; Neoplastic Syndromes, Hereditary; Tumor predisposition. Identifiers: Orphanet 140162, MedGen C0027672, MeSH D009386, MONDO:0015356.

Submission:

Ambry Genetics
Classification: Uncertain significance for Hereditary cancer-predisposing syndrome. Last evaluated: 2024-04-11. Review status: criteria provided, single submitter. Criteria: Ambry Variant Classification Scheme 2023. Collection method: clinical testing. Allele origin: germline.
Comment: The p.K153T variant (also known as c.458A>C), located in coding exon 1 of the CDKN1B gene, results from an A to C substitution at nucleotide position 458. The lysine at codon 153 is replaced by threonine, an amino acid with similar properties. This amino acid position is conserved. In addition, the in silico prediction for this alteration is inconclusive. Since supporting evidence is limited at this time, the clinical significance of this alteration remains unclear.

NM_004064.5(CDKN1B):c.458A>C (p.Lys153Thr)

Gene: CDKN1B (cyclin dependent kinase inhibitor 1B; plus strand). Cytogenetic location: 12p13.1.
Variant type: single nucleotide variant.
Coding change: c.458A>C on transcript NM_004064.5 (MANE Select); coding-DNA position 458, A replaced by C.
Protein change: p.Lys153Thr; replaces lysine 153 with threonine.
Molecular consequence: missense variant.
Genome position (GRCh38, 1-based): chr12:12,718,297, A>C. VCF-style: chr12-12718297-A-C. GRCh37 (hg19) VCF-style: chr12-12871231-A-C.
Other names: short protein forms K153T.
Identifiers: ClinVar variation 1741689 (VCV001741689.3), dbSNP rs2136356599, ClinGen allele CA383970918.